The following is an entry in ClinVar:

ClinVar aggregate classification (germline): Uncertain significance (1 of 4 stars; one submission).

Submission:

GeneDx
Classification: Uncertain significance. Last evaluated: 2026-02-05. Review status: criteria provided, single submitter. Criteria: GeneDx Variant Classification Process June 2021. Collection method: clinical testing. Allele origin: germline.
Comment: Not observed at significant frequency in large population cohorts (gnomAD); In silico analysis supports that this missense variant has a deleterious effect on protein structure/function; Has not been previously published as pathogenic or benign to our knowledge

NM_001271.4(CHD2):c.5128C>G (p.Arg1710Gly)

Gene: CHD2 (chromodomain helicase DNA binding protein 2; plus strand). Cytogenetic location: 15q26.1.
Variant type: single nucleotide variant.
Coding change: c.5128C>G on transcript NM_001271.4 (MANE Select); coding-DNA position 5128, C replaced by G.
Protein change: p.Arg1710Gly; replaces arginine 1710 with glycine.
Molecular consequence: missense variant.
Genome position (GRCh38, 1-based): chr15:93,020,233, C>G. VCF-style: chr15-93020233-C-G. GRCh37 (hg19) VCF-style: chr15-93563463-C-G.
Other names: short protein forms R1710G.
Identifiers: ClinVar variation 3343010 (VCV003343010.2).